The following is an entry in ClinVar:

ClinVar aggregate classification (germline): Uncertain significance (1 of 4 stars; one submission).

Allele frequency attached by ClinVar (database versions not stated): gnomAD exomes below 0.00001; ExAC 0.00001; gnomAD 0.00001; TOPMed 0.00002; ESP Exome Variant Server 0.00008.
gnomAD v4.1: 2 of 1,613,660 alleles (0.00012%); highest among the groups gnomAD compares: African/African-American, 0.0027%; no homozygotes.

Submission:

Women's Health and Genetics/Laboratory Corporation of America, LabCorp
Classification: Uncertain significance. Last evaluated: 2024-04-18. Review status: criteria provided, single submitter. Criteria: LabCorp Variant Classification Summary - May 2015. Collection method: clinical testing. Allele origin: germline.
Comment: Variant summary: NPC1 c.3047A>G (p.His1016Arg) results in a non-conservative amino acid change in the encoded protein sequence. Three of five in-silico tools predict a damaging effect of the variant on protein function. The variant allele was found at a frequency of 4e-06 in 251184 control chromosomes (gnomAD). The available data on variant occurrences in the general population are insufficient to allow any conclusion about variant significance. c.3047A>G has been reported in the literature in individuals affected with Niemann-Pick Disease Type C (Park_2003). These data do not allow any conclusion about variant significance. To our knowledge, no experimental evidence demonstrating an impact on protein function has been reported. The following publication has been ascertained in the context of this evaluation (PMID: 12955717). No submitters have cited clinical-significance assessments for this variant to ClinVar. Based on the evidence outlined above, the variant was classified as uncertain significance.

Literature cited by the submitters: PubMed 12955717.

NM_000271.5(NPC1):c.3047A>G (p.His1016Arg)

Gene: NPC1 (NPC intracellular cholesterol transporter 1; minus strand). Cytogenetic location: 18q11.2.
Variant type: single nucleotide variant.
Coding change: c.3047A>G on transcript NM_000271.5 (MANE Select); coding-DNA position 3047, A replaced by G.
Protein change: p.His1016Arg; replaces histidine 1016 with arginine.
Molecular consequence: missense variant.
Genome position (GRCh38, 1-based): chr18:23,536,871, T>C on the plus strand (A>G on the coding strand, the complement: NPC1 is on the minus strand). VCF-style: chr18-23536871-T-C. GRCh37 (hg19) VCF-style: chr18-21116835-T-C.
Other names: short protein forms H1016R.
Identifiers: ClinVar variation 3251864 (VCV003251864.1), dbSNP rs140211089.